The following is an entry in ClinVar:

ClinVar aggregate classification (germline): Uncertain significance (1 of 4 stars; one submission).

Allele frequency attached by ClinVar (database versions not stated): ExAC 0.00001; gnomAD 0.00001.
gnomAD v4.1: 2 of 1,613,082 alleles (0.00012%); highest among the groups gnomAD compares: Admixed American, 0.0033%; no homozygotes.

Submission:

GeneDx
Classification: Uncertain significance. Last evaluated: 2023-05-09. Review status: criteria provided, single submitter. Criteria: GeneDx Variant Classification Process June 2021. Collection method: clinical testing. Allele origin: germline. Affected: yes.
Comment: Not observed at significant frequency in large population cohorts (gnomAD); In silico analysis supports that this missense variant has a deleterious effect on protein structure/function; Missense variant in a gene in which most reported pathogenic variants are truncating/loss of function; Has not been previously published as pathogenic or benign to our knowledge

NM_201384.3(PLEC):c.8345C>T (p.Thr2782Ile)

Gene: PLEC (plectin; minus strand). Cytogenetic location: 8q24.3.
Variant type: single nucleotide variant.
Coding change: c.8345C>T on transcript NM_201384.3 (MANE Select); coding-DNA position 8345, C replaced by T.
Protein change: p.Thr2782Ile; replaces threonine 2782 with isoleucine.
Molecular consequence: missense variant.
Genome position (GRCh38, 1-based): chr8:143,921,476, G>A on the plus strand (C>T on the coding strand, the complement: PLEC is on the minus strand). VCF-style: chr8-143921476-G-A. GRCh37 (hg19) VCF-style: chr8-144995644-G-A.
Other names: c.8426C>T, p.Thr2809Ile (NM_000445.5); c.5045C>T, p.Thr1682Ile (NM_001410941.1); c.8303C>T, p.Thr2768Ile (NM_201378.4); c.8279C>T, p.Thr2760Ile (NM_201379.3); c.8756C>T, p.Thr2919Ile (NM_201380.4); c.8249C>T, p.Thr2750Ile (NM_201381.3); c.8345C>T, p.Thr2782Ile (NM_201382.4); c.8357C>T, p.Thr2786Ile (NM_201383.3); short protein forms T1682I, T2750I, T2760I, T2768I, T2782I, T2786I, T2809I, T2919I.
Identifiers: ClinVar variation 2662187 (VCV002662187.1), dbSNP rs782007294, ClinGen allele CA4925346.